The following is an entry in ClinVar:

NM_000455.5(STK11):c.1092G>A (p.Gln364=)

Genes: STK11 (serine/threonine kinase 11; plus strand), LOC130062899 (ATAC-STARR-seq lymphoblastoid active region 13597; plus strand). Cytogenetic location: 19p13.3.
Variant type: single nucleotide variant.
Coding change: c.1092G>A on transcript NM_000455.5 (MANE Select); coding-DNA position 1092, G replaced by A.
Protein change: p.Gln364=; no amino-acid change (glutamine 364 retained).
Molecular consequence: synonymous variant.
Genome position (GRCh38, 1-based): chr19:1,223,156, G>A. VCF-style: chr19-1223156-G-A. GRCh37 (hg19) VCF-style: chr19-1223155-G-A.
Identifiers: ClinVar variation 492511 (VCV000492511.16), dbSNP rs1555739339, ClinGen allele CA504707801.

ClinVar aggregate classification (germline): Benign/Likely benign. Review status: criteria provided, multiple submitters, no conflicts (2 of 4 stars). 4 submissions from 4 submitters: Benign (1); Likely benign (3). Last evaluated 2025-09-03.

Conditions:
Hereditary cancer-predisposing syndrome. Also called: Tumor predisposition; Neoplastic Syndromes, Hereditary; Hereditary Cancer Syndrome; Hereditary neoplastic syndrome. Identifiers: Orphanet 140162, MedGen C0027672, MeSH D009386, MONDO:0015356.
Peutz-Jeghers syndrome (PJS). Also called: POLYPOSIS, HAMARTOMATOUS INTESTINAL; POLYPS-AND-SPOTS SYNDROME; Peutz-Jeghers polyposis; Periorificial lentiginosis syndrome. Identifiers: Orphanet 2869, MedGen C0031269, MeSH D010580, MONDO:0008280, OMIM 175200.

Submissions (4):

Labcorp Genetics (formerly Invitae), Labcorp
Classification: Likely benign for Peutz-Jeghers syndrome. Last evaluated: 2025-09-03. Review status: criteria provided, single submitter. Criteria: Invitae Variant Classification Sherloc (09022015). Collection method: clinical testing. Allele origin: germline.

Myriad Genetics, Inc.
Classification: Benign for Peutz-Jeghers syndrome. Last evaluated: 2025-03-28. Review status: criteria provided, single submitter. Criteria: Myriad Autosomal Dominant, Autosomal Recessive and X-Linked Classification Criteria (2023). Collection method: clinical testing. Allele origin: unknown.
Comment: This variant is considered benign. This variant is a silent/synonymous amino acid change and it is not expected to impact splicing.

Ambry Genetics
Classification: Likely benign for Hereditary cancer-predisposing syndrome. Last evaluated: 2019-07-18. Review status: criteria provided, single submitter. Criteria: Ambry Variant Classification Scheme 2023. Collection method: clinical testing. Allele origin: germline.

Color Diagnostics, LLC DBA Color Health
Classification: Likely benign for Hereditary cancer-predisposing syndrome. Last evaluated: 2016-08-31. Review status: criteria provided, single submitter. Criteria: ACMG Guidelines, 2015. Collection method: clinical testing. Allele origin: germline.